The following is an entry in ClinVar:

ClinVar aggregate classification (germline): Likely benign (0 of 4 stars; one submission).

Conditions:
CYP4F22-related disorder. Also called: CYP4F22-related condition.

Allele frequency attached by ClinVar (database versions not stated): gnomAD exomes 0.00002; ExAC 0.00007; gnomAD 0.00014; TOPMed 0.00016; ESP Exome Variant Server 0.00023; 1000 Genomes Project 0.00040; 1000 Genomes Project 30x 0.00047.
gnomAD v4.1: 49 of 1,612,866 alleles (0.003%); highest among the groups gnomAD compares: African/African-American, 0.032%; no homozygotes.

Submission:

PreventionGenetics, part of Exact Sciences
Classification: Likely benign for CYP4F22-related condition. Last evaluated: 2019-04-25. Review status: no assertion criteria provided. Collection method: clinical testing. Allele origin: germline.
Comment: This variant is classified as likely benign based on ACMG/AMP sequence variant interpretation guidelines (Richards et al. 2015 PMID: 25741868, with internal and published modifications).

NM_173483.4(CYP4F22):c.1140C>T (p.Asp380=)

Gene: CYP4F22 (cytochrome P450 family 4 subfamily F member 22; plus strand). Cytogenetic location: 19p13.12.
Variant type: single nucleotide variant.
Coding change: c.1140C>T on transcript NM_173483.4 (MANE Select); coding-DNA position 1140, C replaced by T.
Protein change: p.Asp380=; no amino-acid change (aspartic acid 380 retained).
Molecular consequence: synonymous variant.
Genome position (GRCh38, 1-based): chr19:15,548,111, C>T. VCF-style: chr19-15548111-C-T. GRCh37 (hg19) VCF-style: chr19-15658922-C-T.
Identifiers: ClinVar variation 3046948 (VCV003046948.2), dbSNP rs148521416, ClinGen allele CA9269867.
Genomic context (GRCh38, chr19:15,548,111, plus strand): 5'-TTTGGGGAGGTGGTGCCATGGTGGCTCGGCCTCTAGTTATATCTCCATTCTCCCCAGGGA[C>T]GATCTGACTCAGCTGCCCTTTACAACTATGTGCATTAAGGAGAGCCTGCGCCAGTACCCA-3'
Protein context (NP_775754.2, residues 370-390): KGRELEELEW[Asp380=]DLTQLPFTTM